The following is an entry in ClinVar:

NM_020824.4(ARHGAP21):c.5107C>T (p.Leu1703Phe)

Gene: ARHGAP21 (Rho GTPase activating protein 21; minus strand). Cytogenetic location: 10p12.1.
Variant type: single nucleotide variant.
Coding change: c.5107C>T on transcript NM_020824.4 (MANE Select); coding-DNA position 5107, C replaced by T.
Protein change: p.Leu1703Phe; replaces leucine 1703 with phenylalanine.
Molecular consequence: missense variant. On other transcripts: non-coding transcript variant (5).
Genome position (GRCh38, 1-based): chr10:24,585,182, G>A on the plus strand (C>T on the coding strand, the complement: ARHGAP21 is on the minus strand). VCF-style: chr10-24585182-G-A. GRCh37 (hg19) VCF-style: chr10-24874111-G-A.
Other names: c.5077C>T, p.Leu1693Phe (NM_001367447.1, NM_001367451.1, NM_001367453.1); c.5107C>T, p.Leu1703Phe (NM_001367448.1, NM_001367454.1); c.4813C>T, p.Leu1605Phe (NM_001367449.1, NM_001367450.1); c.4636C>T, p.Leu1546Phe (NM_001367452.1); c.4468C>T, p.Leu1490Phe (NM_001367455.1); short protein forms L1490F, L1546F, L1605F, L1693F, L1703F.
Identifiers: ClinVar variation 2640352 (VCV002640352.24), dbSNP rs142036127, ClinGen allele CA5440857.

ClinVar aggregate classification (germline): Likely benign (1 of 4 stars; one submission).

Allele frequency attached by ClinVar (database versions not stated): ESP Exome Variant Server 0.00141; 1000 Genomes Project 30x 0.00219; 1000 Genomes Project 0.00220; ExAC 0.00246; gnomAD 0.00257; TOPMed 0.00405.
gnomAD v4.1: 3,785 of 1,609,326 alleles (0.24%); highest among the groups gnomAD compares: Middle Eastern, 2.7%; 10 homozygotes.

Submission:

CeGaT Center for Human Genetics Tuebingen
Classification: Likely benign. Last evaluated: 2023-03-01. Review status: criteria provided, single submitter. Criteria: CeGaT Center For Human Genetics Tuebingen Variant Classification Criteria Version 2. Collection method: clinical testing. Allele origin: germline. Affected: yes. Observed: 2 variant alleles.
Comment: ARHGAP21: BS2